The following is an entry in ClinVar:

NM_004006.3(DMD):c.944G>A (p.Ser315Asn)

Gene: DMD (dystrophin; minus strand). Cytogenetic location: Xp21.1.
Variant type: single nucleotide variant.
Coding change: c.944G>A on transcript NM_004006.3 (MANE Select); coding-DNA position 944, G replaced by A.
Protein change: p.Ser315Asn; replaces serine 315 with asparagine.
Molecular consequence: missense variant.
Genome position (GRCh38, 1-based): chrX:32,697,886, C>T on the plus strand (G>A on the coding strand, the complement: DMD is on the minus strand). VCF-style: chrX-32697886-C-T. GRCh37 (hg19) VCF-style: chrX-32716003-C-T.
Other names: c.920G>A, p.Ser307Asn (NM_000109.4); c.932G>A, p.Ser311Asn (NM_004009.3); c.575G>A, p.Ser192Asn (NM_004010.3); short protein forms S192N, S307N, S311N, S315N.
Identifiers: ClinVar variation 3628474 (VCV003628474.2).

ClinVar aggregate classification (germline): Uncertain significance (1 of 4 stars; one submission).

Conditions:
Duchenne muscular dystrophy (DMD). Also called: MUSCULAR DYSTROPHY, PSEUDOHYPERTROPHIC PROGRESSIVE, DUCHENNE TYPE; Duchenne Muscular Dystrophy (DMD). Identifiers: Orphanet 98896, MedGen C0013264, MONDO:0010679, OMIM 310200.

Submission:

Labcorp Genetics (formerly Invitae), Labcorp
Classification: Uncertain significance for Duchenne muscular dystrophy. Last evaluated: 2024-10-30. Review status: criteria provided, single submitter. Criteria: Invitae Variant Classification Sherloc (09022015). Collection method: clinical testing. Allele origin: germline.
Comment: This sequence change replaces serine, which is neutral and polar, with asparagine, which is neutral and polar, at codon 315 of the DMD protein (p.Ser315Asn). This variant is not present in population databases (gnomAD no frequency). This variant has not been reported in the literature in individuals affected with DMD-related conditions. Invitae Evidence Modeling of protein sequence and biophysical properties (such as structural, functional, and spatial information, amino acid conservation, physicochemical variation, residue mobility, and thermodynamic stability) indicates that this missense variant is not expected to disrupt DMD protein function with a negative predictive value of 95%. In summary, the available evidence is currently insufficient to determine the role of this variant in disease. Therefore, it has been classified as a Variant of Uncertain Significance.